The following is an entry in ClinVar:

NM_007325.5(GRIA3):c.545T>C (p.Val182Ala)

Gene: GRIA3 (glutamate ionotropic receptor AMPA type subunit 3; plus strand). Cytogenetic location: Xq25.
Variant type: single nucleotide variant.
Coding change: c.545T>C on transcript NM_007325.5 (MANE Select); coding-DNA position 545, T replaced by C.
Protein change: p.Val182Ala; replaces valine 182 with alanine.
Molecular consequence: missense variant.
Genome position (GRCh38, 1-based): chrX:123,326,062, T>C. VCF-style: chrX-123326062-T-C. GRCh37 (hg19) VCF-style: chrX-122459913-T-C.
Other names: c.545T>C, p.Val182Ala (NM_000828.5); short protein forms V182A.
Identifiers: ClinVar variation 3702171 (VCV003702171.2).

ClinVar aggregate classification (germline): Uncertain significance (1 of 4 stars; one submission).

Submission:

Labcorp Genetics (formerly Invitae), Labcorp
Classification: Uncertain significance. Last evaluated: 2024-10-09. Review status: criteria provided, single submitter. Criteria: Invitae Variant Classification Sherloc (09022015). Collection method: clinical testing. Allele origin: germline.
Comment: This sequence change replaces valine, which is neutral and non-polar, with alanine, which is neutral and non-polar, at codon 182 of the GRIA3 protein (p.Val182Ala). This variant is present in population databases (no rsID available, gnomAD 0.01%). This variant has not been reported in the literature in individuals affected with GRIA3-related conditions. An algorithm developed to predict the effect of missense changes on protein structure and function (PolyPhen-2) suggests that this variant is likely to be tolerated. In summary, the available evidence is currently insufficient to determine the role of this variant in disease. Therefore, it has been classified as a Variant of Uncertain Significance.